The following is an entry in ClinVar:

NM_000186.4(CFH):c.1873G>T (p.Glu625Ter)

Gene: CFH (complement factor H; plus strand). Cytogenetic location: 1q31.3.
Variant type: single nucleotide variant.
Coding change: c.1873G>T on transcript NM_000186.4 (MANE Select); coding-DNA position 1873, G replaced by T.
Protein change: p.Glu625Ter; replaces glutamic acid 625 with a stop codon.
Molecular consequence: nonsense.
Genome position (GRCh38, 1-based): chr1:196,725,297, G>T. VCF-style: chr1-196725297-G-T. GRCh37 (hg19) VCF-style: chr1-196694427-G-T.
Other names: p.Glu625*; c.1873G>T (NM_000186.3); short protein forms E625*.
Identifiers: ClinVar variation 1450348 (VCV001450348.18), dbSNP rs150694809, ClinGen allele CA1305497.

ClinVar aggregate classification (germline): Conflicting classifications of pathogenicity. Review status: criteria provided, conflicting classifications (1 of 4 stars). 6 submissions from 6 submitters: Pathogenic (5); Uncertain significance (1). Last evaluated 2026-09-17.

Conditions:
Factor H deficiency (CFHD). Also called: COMPLEMENT FACTOR H DEFICIENCY; CFH DEFICIENCY. Identifiers: Orphanet 200421, MedGen C0398777, MONDO:0012350, OMIM 609814.
Hemolytic uremic syndrome, atypical, susceptibility to, 1. Also called: AHUS, SUSCEPTIBILITY TO, 1. Identifiers: Orphanet 2134, Orphanet 90038, MedGen C2749604, MONDO:0009335, OMIM 235400. Disease mechanism: Other.
Age related macular degeneration 4. Identifiers: MedGen C1853147, MONDO:0012540, OMIM 610698.
Basal laminar drusen. Also called: DRUSEN OF BRUCH MEMBRANE; DRUSEN, CUTICULAR; DRUSEN, EARLY ADULT-ONSET, GROUPED. Identifiers: Orphanet 75376, MedGen C0730295, MONDO:0007472, OMIM 126700.
Atypical hemolytic-uremic syndrome. Identifiers: Orphanet 2134, MedGen C2931788, MONDO:0016244.

Allele frequency attached by ClinVar (database versions not stated): TOPMed 0.00001; gnomAD 0.00002; ESP Exome Variant Server 0.00015.
gnomAD v4.1: 11 of 1,613,172 alleles (0.00068%); highest among the groups gnomAD compares: African/African-American, 0.0027%; no homozygotes.

Submissions (7):

Genomenon, Inc
Classification: Pathogenic for Atypical hemolytic-uremic syndrome. Last evaluated: 2026-09-17. Review status: criteria provided, single submitter. Criteria: Genomenon Sequence Variant Interpretation Standards - Updated. Collection method: curation. Allele origin: germline. Affected: yes.
Comment: CFH p.Glu625Ter (c.1873G>T) is a nonsense variant that introduces a premature stop codon at amino acid position 625 and is predicted to result in a truncated or absent protein product. This variant has been observed in at least one proband affected with atypical hemolytic-uremic syndrome (PMID: 20513133; 32203225; 23847193; 23195022). It is absent or not present at a significant frequency in gnomAD. In conclusion, we classify CFH p.Glu625Ter (c.1873G>T) as a pathogenic variant.

GeneDx
Classification: Uncertain significance. Last evaluated: 2026-03-30. Review status: criteria provided, single submitter. Criteria: GeneDx Variant Classification Process June 2021. Collection method: clinical testing. Allele origin: germline.
Comment: Nonsense variant predicted to result in protein truncation or nonsense mediated decay in a gene for which loss of function is a known mechanism of disease; This variant is associated with the following publications: (PMID: 37369098, 25525159, 20513133)

Labcorp Genetics (formerly Invitae), Labcorp
Classification: Pathogenic. Last evaluated: 2025-12-24. Review status: criteria provided, single submitter. Criteria: Invitae Variant Classification Sherloc (09022015). Collection method: clinical testing. Allele origin: germline.
Comment: This sequence change creates a premature translational stop signal (p.Glu625*) in the CFH gene. It is expected to result in an absent or disrupted protein product. Loss-of-function variants in CFH are known to be pathogenic (PMID: 11170896, 14978182, 16621965, 23870792, 25188723). This variant is present in population databases (rs150694809, gnomAD 0.003%). This premature translational stop signal has been observed in individual(s) with atypical hemolytic uremic syndrome (aHUS) (PMID: 20513133). ClinVar contains an entry for this variant (Variation ID: 1450348). Algorithms developed to predict the effect of sequence changes on RNA splicing suggest that this variant may disrupt the consensus splice site. For these reasons, this variant has been classified as Pathogenic.

Mayo Clinic Laboratories, Mayo Clinic
Classification: Pathogenic. Last evaluated: 2025-03-26. Review status: criteria provided, single submitter. Criteria: ACMG Guidelines, 2015. Collection method: clinical testing. Allele origin: germline. Observed: 4 variant alleles.
Comment: PM2_supporting, PS4_moderate, PVS1

Fulgent Genetics
Classification: Pathogenic for Basal laminar drusen; Hemolytic uremic syndrome, atypical, susceptibility to, 1; Factor H deficiency; Age related macular degeneration 4. Last evaluated: 2024-05-10. Review status: criteria provided, single submitter. Criteria: ACMG Guidelines, 2015. Collection method: clinical testing. Allele origin: germline.

Genome-Nilou Lab
Classification: Pathogenic for Factor H deficiency. Last evaluated: 2023-04-11. Review status: criteria provided, single submitter. Criteria: ACMG Guidelines, 2015. Collection method: clinical testing. Allele origin: germline. Affected: no.

Dr. Peter K. Rogan Lab, Western University
No classification provided (evidence only). Condition: Malignant tumor of urinary bladder. Review status: no classification provided. Collection method: in vitro. Allele origin: not applicable. Functional consequence: skipped exon. Not counted in ClinVar's aggregate classification.

Literature cited by the submitters: PubMed 20513133 (cited by 3 submitters); PubMed 32203225 (cited by Genomenon, Inc and Mayo Clinic Laboratories, Mayo Clinic); PubMed 23847193 (cited by Genomenon, Inc and Mayo Clinic Laboratories, Mayo Clinic); PubMed 23195022 (cited by Genomenon, Inc); PubMed 11170896 (cited by Labcorp Genetics (formerly Invitae), Labcorp); PubMed 14978182 (cited by Labcorp Genetics (formerly Invitae), Labcorp); PubMed 16621965 (cited by Labcorp Genetics (formerly Invitae), Labcorp); PubMed 23870792 (cited by Labcorp Genetics (formerly Invitae), Labcorp); PubMed 25188723 (cited by Labcorp Genetics (formerly Invitae), Labcorp); PubMed 24029428 (cited by Mayo Clinic Laboratories, Mayo Clinic); PubMed 33024316 (cited by Mayo Clinic Laboratories, Mayo Clinic); PubMed 37369098 (cited by Mayo Clinic Laboratories, Mayo Clinic).